The following is an entry in ClinVar:

NM_004444.5(EPHB4):c.1483C>T (p.Arg495Trp)

Gene: EPHB4 (EPH receptor B4; minus strand). Cytogenetic location: 7q22.1.
Variant type: single nucleotide variant.
Coding change: c.1483C>T on transcript NM_004444.5 (MANE Select); coding-DNA position 1483, C replaced by T.
Protein change: p.Arg495Trp; replaces arginine 495 with tryptophan.
Molecular consequence: missense variant.
Genome position (GRCh38, 1-based): chr7:100,817,297, G>A on the plus strand (C>T on the coding strand, the complement: EPHB4 is on the minus strand). VCF-style: chr7-100817297-G-A. GRCh37 (hg19) VCF-style: chr7-100414919-G-A.
Other names: short protein forms R495W.
Identifiers: ClinVar variation 1773624 (VCV001773624.3), dbSNP rs761482515, ClinGen allele CA4392961.

ClinVar aggregate classification (germline): Uncertain significance (1 of 4 stars; one submission).

Conditions:
Cardiovascular phenotype. Identifiers: MedGen CN230736.

Allele frequency attached by ClinVar (database versions not stated): gnomAD exomes 0.00001; TOPMed 0.00001.
gnomAD v4.1: 7 of 1,594,502 alleles (0.00044%); highest among the groups gnomAD compares: South Asian, 0.0011%; no homozygotes.

Submission:

Ambry Genetics
Classification: Uncertain significance for Cardiovascular phenotype. Last evaluated: 2025-06-20. Review status: criteria provided, single submitter. Criteria: Ambry Variant Classification Scheme 2023. Collection method: clinical testing. Allele origin: germline.
Comment: The p.R495W variant (also known as c.1483C>T), located in coding exon 8 of the EPHB4 gene, results from a C to T substitution at nucleotide position 1483. The arginine at codon 495 is replaced by tryptophan, an amino acid with dissimilar properties. This amino acid position is conserved. In addition, this alteration is predicted to be deleterious by in silico analysis. Since supporting evidence is limited at this time, the clinical significance of this alteration remains unclear.